The following is an entry in ClinVar:

ClinVar aggregate classification (germline): Likely benign. Review status: criteria provided, multiple submitters, no conflicts (2 of 4 stars). 2 submissions from 2 submitters: Likely benign (2). Last evaluated 2025-11-03.

Conditions:
MYO5B-related disorder. Also called: MYO5B-related condition.

Allele frequency attached by ClinVar (database versions not stated): gnomAD 0.00001; ExAC 0.00002; TOPMed 0.00002.
gnomAD v4.1: 54 of 1,613,274 alleles (0.0033%); highest among the groups gnomAD compares: Non-Finnish European, 0.0043%; no homozygotes.

Submissions (2):

PreventionGenetics, part of Exact Sciences
Classification: Likely benign for MYO5B-related condition. Last evaluated: 2025-11-03. Review status: criteria provided, single submitter. Criteria: ACMG Guidelines, 2015. Collection method: clinical testing. Allele origin: germline.
Comment: This variant is classified as likely benign based on ACMG/AMP sequence variant interpretation guidelines (Richards et al. 2015 PMID: 25741868, with internal and published modifications).

Labcorp Genetics (formerly Invitae), Labcorp
Classification: Likely benign. Last evaluated: 2024-10-02. Review status: criteria provided, single submitter. Criteria: Invitae Variant Classification Sherloc (09022015). Collection method: clinical testing. Allele origin: germline.

NM_001080467.3(MYO5B):c.2772G>A (p.Glu924=)

Gene: MYO5B (myosin VB; minus strand). Cytogenetic location: 18q21.1.
Variant type: single nucleotide variant.
Coding change: c.2772G>A on transcript NM_001080467.3 (MANE Select); coding-DNA position 2772, G replaced by A.
Protein change: p.Glu924=; no amino-acid change (glutamic acid 924 retained).
Molecular consequence: synonymous variant.
Genome position (GRCh38, 1-based): chr18:49,902,633, C>T on the plus strand (G>A on the coding strand, the complement: MYO5B is on the minus strand). VCF-style: chr18-49902633-C-T. GRCh37 (hg19) VCF-style: chr18-47429003-C-T.
Other names: c.2772G>A (NM_001080467.2).
Identifiers: ClinVar variation 1915733 (VCV001915733.6), dbSNP rs759151126, ClinGen allele CA8960955.